The following is an entry in ClinVar:

ClinVar aggregate classification (germline): Uncertain significance (1 of 4 stars; one submission).

Conditions:
Bardet-Biedl syndrome (BBS). Identifiers: Orphanet 110, MedGen C0752166, MONDO:0015229.

Submission:

Labcorp Genetics (formerly Invitae), Labcorp
Classification: Uncertain significance for Bardet-Biedl syndrome. Last evaluated: 2020-02-22. Review status: criteria provided, single submitter. Criteria: Invitae Variant Classification Sherloc (09022015). Collection method: clinical testing. Allele origin: germline.
Comment: In summary, the available evidence is currently insufficient to determine the role of this variant in disease. Therefore, it has been classified as a Variant of Uncertain Significance. Algorithms developed to predict the effect of missense changes on protein structure and function (SIFT, PolyPhen-2, Align-GVGD) all suggest that this variant is likely to be tolerated, but these predictions have not been confirmed by published functional studies and their clinical significance is uncertain. This variant has not been reported in the literature in individuals with BBS2-related conditions. This variant is not present in population databases (ExAC no frequency). This sequence change replaces asparagine with lysine at codon 671 of the BBS2 protein (p.Asn671Lys). The asparagine residue is highly conserved and there is a moderate physicochemical difference between asparagine and lysine.

NM_031885.5(BBS2):c.2013C>A (p.Asn671Lys)

Gene: BBS2 (Bardet-Biedl syndrome 2; minus strand). Cytogenetic location: 16q13.
Variant type: single nucleotide variant.
Coding change: c.2013C>A on transcript NM_031885.5 (MANE Select); coding-DNA position 2013, C replaced by A.
Protein change: p.Asn671Lys; replaces asparagine 671 with lysine.
Molecular consequence: missense variant. On other transcripts: non-coding transcript variant (5).
Genome position (GRCh38, 1-based): chr16:56,485,636, G>T on the plus strand (C>A on the coding strand, the complement: BBS2 is on the minus strand). VCF-style: chr16-56485636-G-T. GRCh37 (hg19) VCF-style: chr16-56519548-G-T.
Other names: c.2013C>A, p.Asn671Lys (NM_001377456.1); short protein forms N671K.
Identifiers: ClinVar variation 1047197 (VCV001047197.9), dbSNP rs1963755306, ClinGen allele CA395973135.